The following is an entry in ClinVar:

ClinVar aggregate classification (germline): Uncertain significance. Review status: criteria provided, multiple submitters, no conflicts (2 of 4 stars). 2 submissions from 2 submitters: Uncertain significance (2). Last evaluated 2026-03-12.

Conditions:
CACNA1F-related disorder. Also called: CACNA1F-related condition.

Allele frequency attached by ClinVar (database versions not stated): gnomAD exomes 0.00001; TOPMed 0.00002; gnomAD 0.00003.
gnomAD v4.1: 23 of 1,203,026 alleles (0.0019%); highest among the groups gnomAD compares: African/African-American, 0.007%; no homozygotes.

Submissions (2):

PreventionGenetics, part of Exact Sciences
Classification: Uncertain significance for CACNA1F-related condition. Last evaluated: 2026-03-12. Review status: criteria provided, single submitter. Criteria: ACMG Guidelines, 2015. Collection method: clinical testing. Allele origin: germline.
Comment: The CACNA1F c.5654C>T variant is predicted to result in the amino acid substitution p.Ser1885Leu. To our knowledge, this variant has not been reported in the literature. This variant is reported in 0.0057% of alleles in individuals of African descent in gnomAD, including 1 hemizygote. At this time, the clinical significance of this variant is uncertain due to the absence of conclusive functional and genetic evidence.

Labcorp Genetics (formerly Invitae), Labcorp
Classification: Uncertain significance. Last evaluated: 2026-01-06. Review status: criteria provided, single submitter. Criteria: Invitae Variant Classification Sherloc (09022015). Collection method: clinical testing. Allele origin: germline.
Comment: This sequence change replaces serine, which is neutral and polar, with leucine, which is neutral and non-polar, at codon 1885 of the CACNA1F protein (p.Ser1885Leu). The frequency data for this variant in the population databases is considered unreliable, as metrics indicate poor data quality at this position in the gnomAD database. This variant has not been reported in the literature in individuals affected with CACNA1F-related conditions. ClinVar contains an entry for this variant (Variation ID: 1369205). An algorithm developed to predict the effect of missense changes on protein structure and function (PolyPhen-2) suggests that this variant is likely to be tolerated. In summary, the available evidence is currently insufficient to determine the role of this variant in disease. Therefore, it has been classified as a Variant of Uncertain Significance.

NM_001256789.3(CACNA1F):c.5621C>T (p.Ser1874Leu)

Gene: CACNA1F (calcium voltage-gated channel subunit alpha1 F; minus strand). Cytogenetic location: Xp11.23.
Variant type: single nucleotide variant.
Coding change: c.5621C>T on transcript NM_001256789.3 (MANE Select); coding-DNA position 5621, C replaced by T.
Protein change: p.Ser1874Leu; replaces serine 1874 with leucine.
Molecular consequence: missense variant.
Genome position (GRCh38, 1-based): chrX:49,205,665, G>A on the plus strand (C>T on the coding strand, the complement: CACNA1F is on the minus strand). VCF-style: chrX-49205665-G-A. GRCh37 (hg19) VCF-style: chrX-49062125-G-A.
Other names: c.5459C>T, p.Ser1820Leu (NM_001256790.3); c.5654C>T, p.Ser1885Leu (NM_005183.4); c.5654C>T (NM_005183.3); short protein forms S1885L, S1820L, S1874L.
Identifiers: ClinVar variation 1369205 (VCV001369205.7), dbSNP rs782129126, ClinGen allele CA10409937.